The following is an entry in ClinVar:

NM_000301.5(PLG):c.662C>T (p.Pro221Leu)

Gene: PLG (plasminogen; plus strand). Cytogenetic location: 6q26.
Variant type: single nucleotide variant.
Coding change: c.662C>T on transcript NM_000301.5 (MANE Select); coding-DNA position 662, C replaced by T.
Protein change: p.Pro221Leu; replaces proline 221 with leucine.
Molecular consequence: missense variant.
Genome position (GRCh38, 1-based): chr6:160,714,908, C>T. VCF-style: chr6-160714908-C-T. GRCh37 (hg19) VCF-style: chr6-161135940-C-T.
Other names: short protein forms P221L.
Identifiers: ClinVar variation 2363262 (VCV002363262.7), dbSNP rs770480023, ClinGen allele CA4087516.

ClinVar aggregate classification (germline): Uncertain significance. Review status: criteria provided, multiple submitters, no conflicts (2 of 4 stars). 3 submissions from 3 submitters: Uncertain significance (3). Last evaluated 2025-09-28.

Conditions:
Plasminogen deficiency, type I. Also called: Hypoplasminogenemia; Type 1 plasminogen deficiency. Identifiers: Orphanet 722, MedGen C1968804, MONDO:0009009, OMIM 217090.
Angioedema, hereditary, 4. Identifiers: MedGen C5543503, MONDO:0025712, OMIM 619360.
Inborn genetic diseases. Identifiers: MedGen C0950123, MeSH D030342.

Allele frequency attached by ClinVar (database versions not stated): TOPMed 0.00003; gnomAD exomes 0.00002; ExAC 0.00002; gnomAD 0.00002.
gnomAD v4.1: 32 of 1,613,560 alleles (0.002%); highest among the groups gnomAD compares: Non-Finnish European, 0.0025%; no homozygotes.

Submissions (3):

Labcorp Genetics (formerly Invitae), Labcorp
Classification: Uncertain significance. Last evaluated: 2025-09-28. Review status: criteria provided, single submitter. Criteria: Invitae Variant Classification Sherloc (09022015). Collection method: clinical testing. Allele origin: germline.
Comment: This sequence change replaces proline, which is neutral and non-polar, with leucine, which is neutral and non-polar, at codon 221 of the PLG protein (p.Pro221Leu). This variant is present in population databases (rs770480023, gnomAD 0.008%). This variant has not been reported in the literature in individuals affected with PLG-related conditions. ClinVar contains an entry for this variant (Variation ID: 2363262). Invitae Evidence Modeling of protein sequence and biophysical properties (such as structural, functional, and spatial information, amino acid conservation, physicochemical variation, residue mobility, and thermodynamic stability) indicates that this missense variant is not expected to disrupt PLG protein function with a negative predictive value of 80%. In summary, the available evidence is currently insufficient to determine the role of this variant in disease. Therefore, it has been classified as a Variant of Uncertain Significance.

Ambry Genetics
Classification: Uncertain significance for Inborn genetic diseases. Last evaluated: 2025-06-24. Review status: criteria provided, single submitter. Criteria: Ambry Variant Classification Scheme 2023. Collection method: clinical testing. Allele origin: germline.

Fulgent Genetics
Classification: Uncertain significance for Plasminogen deficiency, type I; Angioedema, hereditary, 4. Last evaluated: 2024-05-03. Review status: criteria provided, single submitter. Criteria: ACMG Guidelines, 2015. Collection method: clinical testing. Allele origin: germline.